The following is an entry in ClinVar:

ClinVar aggregate classification (germline): Uncertain significance (1 of 4 stars; one submission).

gnomAD v4.1: 3 of 1,211,000 alleles (0.00025%); highest among the groups gnomAD compares: Non-Finnish European, 0.00034%; no homozygotes.

Submission:

Labcorp Genetics (formerly Invitae), Labcorp
Classification: Uncertain significance. Last evaluated: 2025-12-10. Review status: criteria provided, single submitter. Criteria: Invitae Variant Classification Sherloc (09022015). Collection method: clinical testing. Allele origin: germline.
Comment: This sequence change replaces alanine, which is neutral and non-polar, with glutamic acid, which is acidic and polar, at codon 252 of the NEXMIF protein (p.Ala252Glu). This variant is not present in population databases (gnomAD no frequency). This variant has not been reported in the literature in individuals affected with NEXMIF-related conditions. ClinVar contains an entry for this variant (Variation ID: 3664329). An algorithm developed to predict the effect of missense changes on protein structure and function (PolyPhen-2) suggests that this variant is likely to be disruptive. In summary, the available evidence is currently insufficient to determine the role of this variant in disease. Therefore, it has been classified as a Variant of Uncertain Significance.

NM_001008537.3(NEXMIF):c.755C>A (p.Ala252Glu)

Gene: NEXMIF (neurite extension and migration factor; minus strand). Cytogenetic location: Xq13.3.
Variant type: single nucleotide variant.
Coding change: c.755C>A on transcript NM_001008537.3 (MANE Select); coding-DNA position 755, C replaced by A.
Protein change: p.Ala252Glu; replaces alanine 252 with glutamic acid.
Molecular consequence: missense variant.
Genome position (GRCh38, 1-based): chrX:74,743,802, G>T on the plus strand (C>A on the coding strand, the complement: NEXMIF is on the minus strand). VCF-style: chrX-74743802-G-T. GRCh37 (hg19) VCF-style: chrX-73963637-G-T.
Other names: short protein forms A252E.
Identifiers: ClinVar variation 3664329 (VCV003664329.2).